The following is an entry in ClinVar:

NM_201384.3(PLEC):c.4078G>A (p.Glu1360Lys)

Gene: PLEC (plectin; minus strand). Cytogenetic location: 8q24.3.
Variant type: single nucleotide variant.
Coding change: c.4078G>A on transcript NM_201384.3 (MANE Select); coding-DNA position 4078, G replaced by A.
Protein change: p.Glu1360Lys; replaces glutamic acid 1360 with lysine.
Molecular consequence: missense variant.
Genome position (GRCh38, 1-based): chr8:143,925,851, C>T on the plus strand (G>A on the coding strand, the complement: PLEC is on the minus strand). VCF-style: chr8-143925851-C-T. GRCh37 (hg19) VCF-style: chr8-145000019-C-T.
Other names: c.4159G>A, p.Glu1387Lys (NM_000445.5); c.4036G>A, p.Glu1346Lys (NM_201378.4); c.4012G>A, p.Glu1338Lys (NM_201379.3); c.4489G>A, p.Glu1497Lys (NM_201380.4); c.3982G>A, p.Glu1328Lys (NM_201381.3); c.4078G>A, p.Glu1360Lys (NM_201382.4); c.4090G>A, p.Glu1364Lys (NM_201383.3); short protein forms E1338K, E1346K, E1360K, E1497K, E1328K, E1364K, E1387K.
Identifiers: ClinVar variation 283405 (VCV000283405.8), dbSNP rs782455948, ClinGen allele CA4926774.

ClinVar aggregate classification (germline): Uncertain significance. Review status: criteria provided, multiple submitters, no conflicts (2 of 4 stars). 2 submissions from 2 submitters: Uncertain significance (2). Last evaluated 2025-12-20.

Conditions:
Epidermolysis bullosa simplex with nail dystrophy (EBS5D). Identifiers: MedGen C4225309, MONDO:0014661, OMIM 616487.
Epidermolysis bullosa simplex 5C, with pyloric atresia (EBS5C). Also called: PLEC-Related Epidermolysis Bullosa with Pyloric Atresia; Epidermolysis bullosa simplex with pyloric atresia; PLEC1-Related Epidermolysis Bullosa with Pyloric Atresia. Identifiers: Orphanet 158684, MedGen C2677349, MONDO:0012807, OMIM 612138.
Autosomal recessive limb-girdle muscular dystrophy type 2Q (LGMDR17). Also called: MUSCULAR DYSTROPHY, LIMB-GIRDLE, AUTOSOMAL RECESSIVE 17. Identifiers: Orphanet 254361, MedGen C3150989, MONDO:0013390, OMIM 613723.
Epidermolysis bullosa simplex 5B, with muscular dystrophy (EBS5B). Also called: EPIDERMOLYSIS BULLOSA SIMPLEX AND LIMB-GIRDLE MUSCULAR DYSTROPHY; Epidermolysis bullosa simplex with muscular dystrophy. Identifiers: Orphanet 257, MedGen C2931072, MONDO:0009181, OMIM 226670.
Epidermolysis bullosa simplex, Ogna type (EBS5A). Also called: Pidermolysis bullosa simplex 5A, Ogna type; EPIDERMOLYSIS BULLOSA SIMPLEX 5A, OGNA TYPE. Identifiers: Orphanet 79401, MedGen C0432317, MONDO:0007555, OMIM 131950.

Allele frequency attached by ClinVar (database versions not stated): gnomAD 0.00001; TOPMed 0.00001; gnomAD exomes 0.00007; ExAC 0.00011.
gnomAD v4.1: 30 of 1,550,216 alleles (0.0019%); highest among the groups gnomAD compares: South Asian, 0.013%; no homozygotes.

Submissions (2):

Labcorp Genetics (formerly Invitae), Labcorp
Classification: Uncertain significance for Autosomal recessive limb-girdle muscular dystrophy type 2Q; Epidermolysis bullosa simplex, Ogna type; Epidermolysis bullosa simplex with nail dystrophy; Epidermolysis bullosa simplex 5C, with pyloric atresia; Epidermolysis bullosa simplex 5B, with muscular dystrophy. Last evaluated: 2025-12-20. Review status: criteria provided, single submitter. Criteria: Invitae Variant Classification Sherloc (09022015). Collection method: clinical testing. Allele origin: germline.
Comment: This sequence change replaces glutamic acid, which is acidic and polar, with lysine, which is basic and polar, at codon 1387 of the PLEC protein (p.Glu1387Lys). This variant is present in population databases (rs782455948, gnomAD 0.02%). This variant has not been reported in the literature in individuals affected with PLEC-related conditions. ClinVar contains an entry for this variant (Variation ID: 283405). Invitae Evidence Modeling of protein sequence and biophysical properties (such as structural, functional, and spatial information, amino acid conservation, physicochemical variation, residue mobility, and thermodynamic stability) indicates that this missense variant is not expected to disrupt PLEC protein function with a negative predictive value of 80%. In summary, the available evidence is currently insufficient to determine the role of this variant in disease. Therefore, it has been classified as a Variant of Uncertain Significance.

Eurofins Ntd Llc (ga)
Classification: Uncertain significance. Last evaluated: 2015-10-02. Review status: criteria provided, single submitter. Criteria: EGL Classification Definitions 2015. Collection method: clinical testing. Allele origin: germline. Observed: 1 variant allele, 1 heterozygote.